The following is an entry in ClinVar:

NM_002547.3(OPHN1):c.1088T>A (p.Met363Lys)

Gene: OPHN1 (oligophrenin 1; minus strand). Cytogenetic location: Xq12.
Variant type: single nucleotide variant.
Coding change: c.1088T>A on transcript NM_002547.3 (MANE Select); coding-DNA position 1088, T replaced by A.
Protein change: p.Met363Lys; replaces methionine 363 with lysine.
Molecular consequence: missense variant.
Genome position (GRCh38, 1-based): chrX:68,197,202, A>T on the plus strand (T>A on the coding strand, the complement: OPHN1 is on the minus strand). VCF-style: chrX-68197202-A-T. GRCh37 (hg19) VCF-style: chrX-67417044-A-T.
Other names: short protein forms M363K.
Identifiers: ClinVar variation 2120495 (VCV002120495.4), dbSNP rs2519789696, ClinGen allele CA413433114.
Genomic context (GRCh38, chrX:68,197,202, plus strand): 5'-ACTGGCATATGCTGGGGAGGTTTCCCCAGTGTCAGGTAACTTACAGGTTCTTTCCCATCC[A>T]TGGCTTCCATCCATAGCCTTCTGTTAGCTTCTGAAAGGGCCTGCAGAGTGATGGTTCCTG-3'
Protein context (NP_002538.1, residues 353-373): EANRRLWMEA[Met363Lys]DGKEPIYHSP

ClinVar aggregate classification (germline): Uncertain significance (1 of 4 stars; one submission).

Submission:

Labcorp Genetics (formerly Invitae), Labcorp
Classification: Uncertain significance. Last evaluated: 2022-08-16. Review status: criteria provided, single submitter. Criteria: Invitae Variant Classification Sherloc (09022015). Collection method: clinical testing. Allele origin: germline.
Comment: This variant is not present in population databases (gnomAD no frequency). Algorithms developed to predict the effect of missense changes on protein structure and function are either unavailable or do not agree on the potential impact of this missense change (SIFT: "Deleterious"; PolyPhen-2: "Probably Damaging"; Align-GVGD: "Class C0"). This variant has not been reported in the literature in individuals affected with OPHN1-related conditions. This sequence change replaces methionine, which is neutral and non-polar, with lysine, which is basic and polar, at codon 363 of the OPHN1 protein (p.Met363Lys). In summary, the available evidence is currently insufficient to determine the role of this variant in disease. Therefore, it has been classified as a Variant of Uncertain Significance.